The following is an entry in ClinVar:

NM_005157.6(ABL1):c.2856A>T (p.Gly952=)

Gene: ABL1 (ABL proto-oncogene 1, non-receptor tyrosine kinase; plus strand). Cytogenetic location: 9q34.12.
Variant type: single nucleotide variant.
Coding change: c.2856A>T on transcript NM_005157.6 (MANE Select); coding-DNA position 2856, A replaced by T.
Protein change: p.Gly952=; no amino-acid change (glycine 952 retained).
Molecular consequence: synonymous variant.
Genome position (GRCh38, 1-based): chr9:130,885,146, A>T. VCF-style: chr9-130885146-A-T. GRCh37 (hg19) VCF-style: chr9-133760533-A-T.
Other names: c.2913A>T, p.Gly971= (NM_007313.3).
Identifiers: ClinVar variation 3662788 (VCV003662788.3).

ClinVar aggregate classification (germline): Benign/Likely benign. Review status: criteria provided, multiple submitters, no conflicts (2 of 4 stars). 2 submissions from 2 submitters: Benign (1); Likely benign (1). Last evaluated 2026-07-01.

gnomAD v4.1: 15 of 1,612,954 alleles (0.00093%); highest among the groups gnomAD compares: African/African-American, 0.015%; no homozygotes.

Submissions (2):

CeGaT Center for Human Genetics Tuebingen
Classification: Likely benign. Last evaluated: 2026-07-01. Review status: criteria provided, single submitter. Criteria: CeGaT Center For Human Genetics Tuebingen Variant Classification Criteria Version 2. Collection method: clinical testing. Allele origin: germline. Affected: yes. Observed: 1 variant allele.
Comment: ABL1: BP4, BP7

Labcorp Genetics (formerly Invitae), Labcorp
Classification: Benign. Last evaluated: 2025-12-20. Review status: criteria provided, single submitter. Criteria: Invitae Variant Classification Sherloc (09022015). Collection method: clinical testing. Allele origin: germline.